The following is an entry in ClinVar:

NM_006767.4(LZTR1):c.320+189C>T

Gene: LZTR1 (leucine zipper like post translational regulator 1; plus strand). Cytogenetic location: 22q11.21.
Variant type: single nucleotide variant.
Coding change: c.320+189C>T on transcript NM_006767.4 (MANE Select); 189 bases into the intron after coding-DNA position 320, C replaced by T.
Molecular consequence: intron variant.
Genome position (GRCh38, 1-based): chr22:20,986,086, C>T. VCF-style: chr22-20986086-C-T. GRCh37 (hg19) VCF-style: chr22-21340375-C-T.
Identifiers: ClinVar variation 561585 (VCV000561585.2), dbSNP rs8138014, ClinGen allele CA14973170.
Genomic context (GRCh38, chr22:20,986,086, plus strand): 5'-CCACGGCCTCAGGGATGCCACATCCAGAGCCGCCCTGTCAGGCTGAGGAGATCAAGTAAC[C>T]ACCCCGCACCTGCAGCTGCCAAGCTGGGCACACAGGGCGGCACCCTTCTGGGCTGTCCAC-3'

ClinVar aggregate classification (germline): Benign. Review status: criteria provided, multiple submitters, no conflicts (2 of 4 stars). 2 submissions from 2 submitters: Benign (2). Last evaluated 2018-06-14.

Allele frequency attached by ClinVar (database versions not stated): gnomAD exomes 0.00969; gnomAD 0.07566 and 0.08086; TOPMed 0.08482; 1000 Genomes Project 0.08986; 1000 Genomes Project 30x 0.09338.
gnomAD v4.1: 16,237 of 617,546 alleles (2.6%); highest among the groups gnomAD compares: African/African-American, 26%; 1,867 homozygotes.

Submissions (2):

GeneDx
Classification: Benign. Last evaluated: 2018-06-14. Review status: criteria provided, single submitter. Criteria: GeneDx Variant Classification (06012015). Collection method: clinical testing. Allele origin: germline. Affected: yes.
Comment: This variant is considered likely benign or benign based on one or more of the following criteria: it is a conservative change, it occurs at a poorly conserved position in the protein, it is predicted to be benign by multiple in silico algorithms, and/or has population frequency not consistent with disease.

Breakthrough Genomics
Classification: Benign. Review status: criteria provided, single submitter. Criteria: ACMG Guidelines, 2015. Collection method: not provided. Allele origin: germline. Inheritance: Autosomal recessive inheritance. Affected: yes.